The following is an entry in ClinVar:

NM_001126108.2(SLC12A3):c.2866C>T (p.Gln956Ter)

Gene: SLC12A3 (solute carrier family 12 member 3; plus strand). Cytogenetic location: 16q13.
Variant type: single nucleotide variant.
Coding change: c.2866C>T on transcript NM_001126108.2 (MANE Select); coding-DNA position 2866, C replaced by T.
Protein change: p.Gln956Ter; replaces glutamine 956 with a stop codon.
Molecular consequence: nonsense.
Genome position (GRCh38, 1-based): chr16:56,904,404, C>T. VCF-style: chr16-56904404-C-T. GRCh37 (hg19) VCF-style: chr16-56938316-C-T.
Other names: c.2893C>T, p.Gln965Ter (NM_000339.3); c.2890C>T, p.Gln964Ter (NM_001126107.2); short protein forms Q956*, Q964*, Q965*.
Identifiers: ClinVar variation 1075648 (VCV001075648.34), dbSNP rs761692493, ClinGen allele CA8070133.

ClinVar aggregate classification (germline): Pathogenic. Review status: criteria provided, multiple submitters, no conflicts (2 of 4 stars). 3 submissions from 3 submitters: Pathogenic (3). Last evaluated 2023-09-01.

Conditions:
Familial hypokalemia-hypomagnesemia (GTLMNS). Also called: HYPOMAGNESEMIA-HYPOKALEMIA, PRIMARY RENOTUBULAR, WITH HYPOCALCIURIA; POTASSIUM AND MAGNESIUM DEPLETION; gitelman syndrome. Identifiers: Orphanet 358, MedGen C0268450, MONDO:0009904, OMIM 263800.

Allele frequency attached by ClinVar (database versions not stated): gnomAD exomes below 0.00001 and 0.00001; TOPMed below 0.00001; ExAC 0.00001.
gnomAD v4.1: 11 of 1,613,944 alleles (0.00068%); highest among the groups gnomAD compares: East Asian, 0.0022%; no homozygotes.

Submissions (3):

Labcorp Genetics (formerly Invitae), Labcorp
Classification: Pathogenic. Last evaluated: 2023-09-01. Review status: criteria provided, single submitter. Criteria: Invitae Variant Classification Sherloc (09022015). Collection method: clinical testing. Allele origin: germline.
Comment: This sequence change creates a premature translational stop signal (p.Gln965*) in the SLC12A3 gene. It is expected to result in an absent or disrupted protein product. Loss-of-function variants in SLC12A3 are known to be pathogenic (PMID: 20848653, 22009145, 25841442). This variant is present in population databases (rs761692493, gnomAD 0.003%). This premature translational stop signal has been observed in individual(s) with Gitelman syndrome (PMID: 23328711). ClinVar contains an entry for this variant (Variation ID: 1075648). Algorithms developed to predict the effect of sequence changes on RNA splicing suggest that this variant may disrupt the consensus splice site. For these reasons, this variant has been classified as Pathogenic.

CeGaT Center for Human Genetics Tuebingen
Classification: Pathogenic. Last evaluated: 2023-08-01. Review status: criteria provided, single submitter. Criteria: CeGaT Center For Human Genetics Tuebingen Variant Classification Criteria Version 2. Collection method: clinical testing. Allele origin: germline. Affected: yes. Observed: 1 variant allele.
Comment: SLC12A3: PVS1, PM2, PM3

Fulgent Genetics
Classification: Pathogenic for Familial hypokalemia-hypomagnesemia. Last evaluated: 2022-03-10. Review status: criteria provided, single submitter. Criteria: ACMG Guidelines, 2015. Collection method: clinical testing. Allele origin: unknown.

Literature cited by the submitters: PubMed 20848653 (cited by Labcorp Genetics (formerly Invitae), Labcorp); PubMed 22009145 (cited by Labcorp Genetics (formerly Invitae), Labcorp); PubMed 25841442 (cited by Labcorp Genetics (formerly Invitae), Labcorp); PubMed 23328711 (cited by Labcorp Genetics (formerly Invitae), Labcorp).